The following is an entry in ClinVar:

NM_005245.4(FAT1):c.2222C>A (p.Ser741Tyr)

Gene: FAT1 (FAT atypical cadherin 1; minus strand). Cytogenetic location: 4q35.2.
Variant type: single nucleotide variant.
Coding change: c.2222C>A on transcript NM_005245.4 (MANE Select); coding-DNA position 2222, C replaced by A.
Protein change: p.Ser741Tyr; replaces serine 741 with tyrosine.
Molecular consequence: missense variant.
Genome position (GRCh38, 1-based): chr4:186,707,606, G>T on the plus strand (C>A on the coding strand, the complement: FAT1 is on the minus strand). VCF-style: chr4-186707606-G-T. GRCh37 (hg19) VCF-style: chr4-187628760-G-T.
Other names: short protein forms S741Y.
Identifiers: ClinVar variation 2701647 (VCV002701647.3), dbSNP rs1744697995, ClinGen allele CA358987443.

ClinVar aggregate classification (germline): Uncertain significance (1 of 4 stars; one submission).

Submission:

Labcorp Genetics (formerly Invitae), Labcorp
Classification: Uncertain significance. Last evaluated: 2024-11-05. Review status: criteria provided, single submitter. Criteria: Invitae Variant Classification Sherloc (09022015). Collection method: clinical testing. Allele origin: germline.
Comment: This sequence change replaces serine, which is neutral and polar, with tyrosine, which is neutral and polar, at codon 741 of the FAT1 protein (p.Ser741Tyr). This variant is not present in population databases (gnomAD no frequency). This variant has not been reported in the literature in individuals affected with FAT1-related conditions. ClinVar contains an entry for this variant (Variation ID: 2701647). Invitae Evidence Modeling of protein sequence and biophysical properties (such as structural, functional, and spatial information, amino acid conservation, physicochemical variation, residue mobility, and thermodynamic stability) indicates that this missense variant is expected to disrupt FAT1 protein function with a positive predictive value of 80%. In summary, the available evidence is currently insufficient to determine the role of this variant in disease. Therefore, it has been classified as a Variant of Uncertain Significance.